The following is an entry in ClinVar:

ClinVar aggregate classification (germline): Uncertain significance (1 of 4 stars; one submission).

gnomAD v4.1: 6 of 1,614,004 alleles (0.00037%); highest among the groups gnomAD compares: Non-Finnish European, 0.00042%; no homozygotes.

Submission:

GeneDx
Classification: Uncertain significance. Last evaluated: 2026-07-02. Review status: criteria provided, single submitter. Criteria: GeneDx Variant Classification Process June 2021. Collection method: clinical testing. Allele origin: germline.
Comment: Not observed at significant frequency in large population cohorts (gnomAD); In silico analysis suggests that this missense variant does not alter protein structure/function; Has not been previously published as pathogenic or benign to our knowledge

NM_001303052.2(MYT1L):c.754G>C (p.Asp252His)

Gene: MYT1L (myelin transcription factor 1 like; minus strand). Cytogenetic location: 2p25.3.
Variant type: single nucleotide variant.
Coding change: c.754G>C on transcript NM_001303052.2 (MANE Select); coding-DNA position 754, G replaced by C.
Protein change: p.Asp252His; replaces aspartic acid 252 with histidine.
Molecular consequence: missense variant.
Genome position (GRCh38, 1-based): chr2:1,923,015, C>G on the plus strand (G>C on the coding strand, the complement: MYT1L is on the minus strand). VCF-style: chr2-1923015-C-G. GRCh37 (hg19) VCF-style: chr2-1926787-C-G.
Other names: c.754G>C, p.Asp252His (NM_001329844.2, NM_001329845.1, NM_001329846.3 and 6 more transcripts); short protein forms D252H.
Identifiers: ClinVar variation 3903030 (VCV003903030.2).